The following is an entry in ClinVar:

NM_203447.4(DOCK8):c.3700+5T>C

Gene: DOCK8 (dedicator of cytokinesis 8; plus strand). Cytogenetic location: 9p24.3.
Variant type: single nucleotide variant.
Coding change: c.3700+5T>C on transcript NM_203447.4 (MANE Select); 5 bases into the intron after coding-DNA position 3700, T replaced by C.
Molecular consequence: intron variant.
Genome position (GRCh38, 1-based): chr9:414,956, T>C. VCF-style: chr9-414956-T-C. GRCh37 (hg19) VCF-style: chr9-414956-T-C.
Other names: c.3496+5T>C (NM_001193536.2); c.3400+5T>C (NM_001190458.2).
Identifiers: ClinVar variation 1063168 (VCV001063168.7), dbSNP rs1209271625, ClinGen allele CA864138838.

ClinVar aggregate classification (germline): Uncertain significance (1 of 4 stars; one submission).

Conditions:
Combined immunodeficiency due to DOCK8 deficiency (HIES2). Also called: HIES autosomal recessive; HYPER-IgE RECURRENT INFECTION SYNDROME 2, AUTOSOMAL RECESSIVE; HYPER-IgE SYNDROME 2, AUTOSOMAL RECESSIVE, WITH RECURRENT INFECTIONS; DOCK8 Deficiency; Hyper-IgE recurrent infection syndrome, autosomal recessive. Identifiers: Orphanet 217390, MedGen C4722305, MONDO:0009478, OMIM 243700.

Allele frequency attached by ClinVar (database versions not stated): TOPMed 0.00001.
gnomAD v4.1: 3 of 1,613,006 alleles (0.00019%); highest among the groups gnomAD compares: East Asian, 0.0045%; no homozygotes.

Submission:

Labcorp Genetics (formerly Invitae), Labcorp
Classification: Uncertain significance for Combined immunodeficiency due to DOCK8 deficiency. Last evaluated: 2025-05-13. Review status: criteria provided, single submitter. Criteria: Invitae Variant Classification Sherloc (09022015). Collection method: clinical testing. Allele origin: germline.
Comment: This sequence change falls in intron 29 of the DOCK8 gene. It does not directly change the encoded amino acid sequence of the DOCK8 protein. It affects a nucleotide within the consensus splice site. This variant is not present in population databases (gnomAD no frequency). This variant has not been reported in the literature in individuals affected with DOCK8-related conditions. ClinVar contains an entry for this variant (Variation ID: 1063168). Variants that disrupt the consensus splice site are a relatively common cause of aberrant splicing (PMID: 17576681, 9536098). Algorithms developed to predict the effect of sequence changes on RNA splicing suggest that this variant is not likely to affect RNA splicing. In summary, the available evidence is currently insufficient to determine the role of this variant in disease. Therefore, it has been classified as a Variant of Uncertain Significance.

Literature cited by the submitters: PubMed 17576681; PubMed 9536098.